The following is an entry in ClinVar:

ClinVar aggregate classification (germline): Uncertain significance. Review status: criteria provided, multiple submitters, no conflicts (2 of 4 stars). 2 submissions from 2 submitters: Uncertain significance (2). Last evaluated 2024-04-15.

Conditions:
Inborn genetic diseases. Identifiers: MedGen C0950123, MeSH D030342.
Autosomal recessive multiple pterygium syndrome. Also called: MULTIPLE PTERYGIUM SYNDROME, ESCOBAR VARIANT; PTERYGIUM COLLI SYNDROME; PTERYGIUM SYNDROME; PTERYGIUM UNIVERSALE. Identifiers: Orphanet 2990, MedGen C0265261, MONDO:0009926, OMIM 265000.

Allele frequency attached by ClinVar (database versions not stated): gnomAD 0.00001; gnomAD exomes 0.00001 and 0.00002; ExAC 0.00002; TOPMed 0.00002.
gnomAD v4.1: 10 of 1,614,064 alleles (0.00062%); highest among the groups gnomAD compares: East Asian, 0.0022%; no homozygotes.

Submissions (2):

Ambry Genetics
Classification: Uncertain significance for Inborn genetic diseases. Last evaluated: 2024-04-15. Review status: criteria provided, single submitter. Criteria: Ambry Variant Classification Scheme 2023. Collection method: clinical testing. Allele origin: germline.

Baylor Genetics
Classification: Uncertain significance for Autosomal recessive multiple pterygium syndrome. Last evaluated: 2018-03-22. Review status: criteria provided, single submitter. Criteria: ACMG Guidelines, 2015. Collection method: clinical testing. Allele origin: paternal. Affected: yes.
Comment: This variant was determined to be of uncertain significance according to ACMG Guidelines, 2015 [PMID:25741868].

NM_005199.5(CHRNG):c.137G>A (p.Arg46Gln)

Gene: CHRNG (cholinergic receptor nicotinic gamma subunit; plus strand). Cytogenetic location: 2q37.1.
Variant type: single nucleotide variant.
Coding change: c.137G>A on transcript NM_005199.5 (MANE Select); coding-DNA position 137, G replaced by A.
Protein change: p.Arg46Gln; replaces arginine 46 with glutamine.
Molecular consequence: missense variant.
Genome position (GRCh38, 1-based): chr2:232,540,073, G>A. VCF-style: chr2-232540073-G-A. GRCh37 (hg19) VCF-style: chr2-233404783-G-A.
Other names: short protein forms R46Q.
Identifiers: ClinVar variation 1031515 (VCV001031515.2), dbSNP rs755148348, ClinGen allele CA2168515.